The following is an entry in ClinVar:

ClinVar aggregate classification (germline): Uncertain significance (1 of 4 stars; one submission).

Submission:

Labcorp Genetics (formerly Invitae), Labcorp
Classification: Uncertain significance. Last evaluated: 2022-10-17. Review status: criteria provided, single submitter. Criteria: Invitae Variant Classification Sherloc (09022015). Collection method: clinical testing. Allele origin: germline.
Comment: In summary, the available evidence is currently insufficient to determine the role of this variant in disease. Therefore, it has been classified as a Variant of Uncertain Significance. Algorithms developed to predict the effect of sequence changes on RNA splicing suggest that this variant may disrupt the consensus splice site. This variant has not been reported in the literature in individuals affected with ADGRV1-related conditions. This variant is not present in population databases (gnomAD no frequency). This sequence change falls in intron 54 of the ADGRV1 gene. It does not directly change the encoded amino acid sequence of the ADGRV1 protein.

NM_032119.4(ADGRV1):c.11378-11_11378-8del

Gene: ADGRV1 (adhesion G protein-coupled receptor V1; plus strand). Cytogenetic location: 5q14.3.
Variant type: Deletion.
Coding change: c.11378-11_11378-8del on transcript NM_032119.4 (MANE Select); 11 bases into the intron before coding-DNA position 11378 through 8 bases into the intron before coding-DNA position 11378, 4 bases deleted (TTCT; older notation c.11378-11_11378-8delTTCT).
Molecular consequence: intron variant.
Genome position (GRCh38, 1-based): chr5:90,754,972-90,754,975, TTCT deleted; deleting any 4 consecutive bases within chr5:90,754,971-90,754,975 gives the same sequence; the c. name uses the placement nearest the transcript's 3' end. VCF-style (leftmost placement, unchanged base first): chr5-90754970-GTTTC-G. GRCh37 (hg19) VCF-style: chr5-90050787-GTTTC-G.
Identifiers: ClinVar variation 2122203 (VCV002122203.4), dbSNP rs2531630882, ClinGen allele CA2580073747.
Genomic context (GRCh38, chr5:90,754,970, plus strand): 5'-CACTCTAGGTCCTTGTAACAGCATTGACAGCAAATAGAAAAGACTATTTACTCGTGGCAT[GTTTC>G]TCTCACAGAAAACACCACCACTCTTCAGTTACAAATAGCTCGAGATAAAGGACTACTTGG-3'